The following is an entry in ClinVar:

ClinVar aggregate classification (germline): Conflicting classifications of pathogenicity. Review status: criteria provided, conflicting classifications (1 of 4 stars). 4 submissions from 4 submitters: Uncertain significance (2); Likely benign (1). 1 of the submissions does not count toward it. Last evaluated 2025-07-29.

Conditions:
Inborn genetic diseases. Identifiers: MedGen C0950123, MeSH D030342.
RP1L1-related disorder. Also called: RP1L1-related condition.

Allele frequency attached by ClinVar (database versions not stated): gnomAD exomes 0.00007; ExAC 0.00020; ESP Exome Variant Server 0.00074; gnomAD 0.00083; TOPMed 0.00088; 1000 Genomes Project 0.00120; 1000 Genomes Project 30x 0.00156.
gnomAD v4.1: 229 of 1,612,544 alleles (0.014%); highest among the groups gnomAD compares: African/African-American, 0.28%; no homozygotes.

Submissions (4):

GeneDx
Classification: Uncertain significance. Last evaluated: 2025-07-29. Review status: criteria provided, single submitter. Criteria: GeneDx Variant Classification Process June 2021. Collection method: clinical testing. Allele origin: germline. Affected: yes.
Comment: In silico analysis suggests that this missense variant does not alter protein structure/function; Has not been previously published as pathogenic or benign to our knowledge

Ambry Genetics
Classification: Uncertain significance for Inborn genetic diseases. Last evaluated: 2024-01-04. Review status: criteria provided, single submitter. Criteria: Ambry Variant Classification Scheme 2023. Collection method: clinical testing. Allele origin: germline.

Blueprint Genetics
Classification: Likely benign. Last evaluated: 2023-07-05. Review status: criteria provided, single submitter. Criteria: ACMG Guidelines, 2015. Collection method: clinical testing. Allele origin: germline.

PreventionGenetics, part of Exact Sciences
Classification: Likely benign for RP1L1-related condition. Last evaluated: 2019-06-26. Review status: no assertion criteria provided. Collection method: clinical testing. Allele origin: germline. Not counted in ClinVar's aggregate classification.
Comment: This variant is classified as likely benign based on ACMG/AMP sequence variant interpretation guidelines (Richards et al. 2015 PMID: 25741868, with internal and published modifications).

NM_178857.6(RP1L1):c.857G>T (p.Gly286Val)

Gene: RP1L1 (RP1 like 1). Cytogenetic location: 8p23.1.
Variant type: single nucleotide variant.
Coding change: c.857G>T on transcript NM_178857.6 (MANE Select); coding-DNA position 857, G replaced by T.
Protein change: p.Gly286Val; replaces glycine 286 with valine.
Molecular consequence: missense variant.
Genome position (GRCh38, 1-based): chr8:10,613,241, C>A on the plus strand (G>T on the coding strand, the complement: RP1L1 is on the minus strand). VCF-style: chr8-10613241-C-A. GRCh37 (hg19) VCF-style: chr8-10470751-C-A.
Other names: short protein forms G286V.
Identifiers: ClinVar variation 2367481 (VCV002367481.6), dbSNP rs180987931, ClinGen allele CA4625419.